The following is an entry in ClinVar:

NM_194277.3(FRMD7):c.163G>C (p.Val55Leu)

Gene: FRMD7 (FERM domain containing 7; minus strand). Cytogenetic location: Xq26.2.
Variant type: single nucleotide variant.
Coding change: c.163G>C on transcript NM_194277.3 (MANE Select); coding-DNA position 163, G replaced by C.
Protein change: p.Val55Leu; replaces valine 55 with leucine.
Molecular consequence: missense variant.
Genome position (GRCh38, 1-based): chrX:132,099,510, C>G on the plus strand (G>C on the coding strand, the complement: FRMD7 is on the minus strand). VCF-style: chrX-132099510-C-G. GRCh37 (hg19) VCF-style: chrX-131233538-C-G.
Other names: c.163G>C, p.Val55Leu (NM_001306193.2); c.163G>C (NM_194277.2); short protein forms V55L.
Identifiers: ClinVar variation 807817 (VCV000807817.43), dbSNP rs1602818287, ClinGen allele CA414682077.

ClinVar aggregate classification (germline): Uncertain significance. Review status: criteria provided, multiple submitters, no conflicts (2 of 4 stars). 2 submissions from 2 submitters: Uncertain significance (2). Last evaluated 2024-03-03.

Submissions (2):

GeneDx
Classification: Uncertain significance. Last evaluated: 2024-03-03. Review status: criteria provided, single submitter. Criteria: GeneDx Variant Classification Process June 2021. Collection method: clinical testing. Allele origin: germline. Affected: yes.
Comment: Has not been previously published as pathogenic or benign to our knowledge; Not observed at significant frequency in large population cohorts (gnomAD); In silico analysis supports that this missense variant does not alter protein structure/function, but is inconclusive as to whether the variant alters gene splicing; in the absence of RNA/functional studies, the actual effect of this sequence change is unknown

CeGaT Center for Human Genetics Tuebingen
Classification: Uncertain significance. Last evaluated: 2020-02-01. Review status: criteria provided, single submitter. Criteria: CeGaT Center For Human Genetics Tuebingen Variant Classification Criteria Version 2. Collection method: clinical testing. Allele origin: germline. Affected: yes. Observed: 2 variant alleles.